The following is an entry in ClinVar:

ClinVar aggregate classification (germline): Benign/Likely benign. Review status: criteria provided, multiple submitters, no conflicts (2 of 4 stars). 5 submissions from 5 submitters: Benign (1); Likely benign (3). 1 of the submissions does not count toward it. Last evaluated 2026-08-01.

Conditions:
PKD1-related disorder. Also called: PKD1-related condition.

Allele frequency attached by ClinVar (database versions not stated): gnomAD 0.00016; TOPMed 0.00050; ExAC 0.00110; gnomAD exomes 0.00125.
gnomAD v4.1: 372 of 1,612,562 alleles (0.023%); highest among the groups gnomAD compares: Admixed American, 0.59%; 4 homozygotes.

Submissions (5):

CeGaT Center for Human Genetics Tuebingen
Classification: Likely benign. Last evaluated: 2026-08-01. Review status: criteria provided, single submitter. Criteria: CeGaT Center For Human Genetics Tuebingen Variant Classification Criteria Version 2. Collection method: clinical testing. Allele origin: germline. Affected: yes. Observed: 2 variant alleles.
Comment: PKD1: BP4, BP7

Women's Health and Genetics/Laboratory Corporation of America, LabCorp
Classification: Likely benign. Last evaluated: 2025-05-06. Review status: criteria provided, single submitter. Criteria: LabCorp Variant Classification Summary - May 2015. Collection method: clinical testing. Allele origin: germline.

Blueprint Genetics
Classification: Likely benign. Last evaluated: 2024-01-03. Review status: criteria provided, single submitter. Criteria: ACMG Guidelines, 2015. Collection method: clinical testing. Allele origin: germline.

ARUP Laboratories, Molecular Genetics and Genomics, ARUP Laboratories
Classification: Benign. Last evaluated: 2017-09-14. Review status: criteria provided, single submitter. Criteria: ARUP Molecular Germline Variant Investigation Process. Collection method: clinical testing. Allele origin: germline.

PreventionGenetics, part of Exact Sciences
Classification: Benign for PKD1-related condition. Last evaluated: 2023-11-30. Review status: no assertion criteria provided. Collection method: clinical testing. Allele origin: germline. Not counted in ClinVar's aggregate classification.
Comment: This variant is classified as benign based on ACMG/AMP sequence variant interpretation guidelines (Richards et al. 2015 PMID: 25741868, with internal and published modifications).

NM_001009944.3(PKD1):c.12075G>A (p.Glu4025=)

Gene: PKD1 (polycystin 1, transient receptor potential channel interacting; minus strand). Cytogenetic location: 16p13.3.
Variant type: single nucleotide variant.
Coding change: c.12075G>A on transcript NM_001009944.3 (MANE Select); coding-DNA position 12075, G replaced by A.
Protein change: p.Glu4025=; no amino-acid change (glutamic acid 4025 retained).
Molecular consequence: synonymous variant.
Genome position (GRCh38, 1-based): chr16:2,090,737, C>T on the plus strand (G>A on the coding strand, the complement: PKD1 is on the minus strand). VCF-style: chr16-2090737-C-T. GRCh37 (hg19) VCF-style: chr16-2140738-C-T.
Other names: c.12072G>A, p.Glu4024= (NM_000296.4); c.12075G>A (NM_001009944.2).
Identifiers: ClinVar variation 618299 (VCV000618299.14), dbSNP rs754786423, ClinGen allele CA7828844.
Genomic context (GRCh38, chr16:2,090,737, plus strand): 5'-GATGGCCAGCTGGGCGTAGGCTACCCCGAGCACCACCAGGCCCAAGGTGACCCCCAGGAG[C>T]TCTGGCAGAGCTCGGCATAATGTCTTGCCAAAGACGGACCACTGGCGCACGAAGCGTAGC-3'
Protein context (NP_001009944.3, residues 4015-4035): FGKTLCRALP[Glu4025=]LLGVTLGLVV